The following is an entry in ClinVar:

ClinVar aggregate classification (germline): Benign/Likely benign. Review status: criteria provided, multiple submitters, no conflicts (2 of 4 stars). 4 submissions from 4 submitters: Benign (1); Likely benign (3). Last evaluated 2026-01-04.

Conditions:
Hereditary cancer-predisposing syndrome. Also called: Neoplastic Syndromes, Hereditary; Hereditary Cancer Syndrome; Hereditary neoplastic syndrome; Tumor predisposition. Identifiers: Orphanet 140162, MedGen C0027672, MeSH D009386, MONDO:0015356.
Familial cancer of breast. Also called: BREAST CANCER, FAMILIAL; hereditary breast carcinoma; Hereditary breast cancer. Identifiers: Orphanet 227535, MedGen C0346153, MONDO:0016419, OMIM 114480. Disease mechanism: loss of function.

Submissions (4):

Labcorp Genetics (formerly Invitae), Labcorp
Classification: Likely benign for Familial cancer of breast. Last evaluated: 2026-01-04. Review status: criteria provided, single submitter. Criteria: Invitae Variant Classification Sherloc (09022015). Collection method: clinical testing. Allele origin: germline.

Myriad Genetics, Inc.
Classification: Benign for Familial cancer of breast. Last evaluated: 2024-07-23. Review status: criteria provided, single submitter. Criteria: Myriad Autosomal Dominant, Autosomal Recessive and X-Linked Classification Criteria (2023). Collection method: clinical testing. Allele origin: unknown.
Comment: This variant is considered benign. This variant is a silent/synonymous amino acid change and it is not expected to impact splicing.

Color Diagnostics, LLC DBA Color Health
Classification: Likely benign for Hereditary cancer-predisposing syndrome. Last evaluated: 2018-12-17. Review status: criteria provided, single submitter. Criteria: ACMG Guidelines, 2015. Collection method: clinical testing. Allele origin: germline.

Ambry Genetics
Classification: Likely benign for Hereditary cancer-predisposing syndrome. Last evaluated: 2016-12-20. Review status: criteria provided, single submitter. Criteria: Ambry Variant Classification Scheme 2023. Collection method: clinical testing. Allele origin: germline.

NM_000465.4(BARD1):c.1023G>A (p.Leu341=)

Gene: BARD1 (BRCA1 associated RING domain 1; minus strand). Cytogenetic location: 2q35.
Variant type: single nucleotide variant.
Coding change: c.1023G>A on transcript NM_000465.4 (MANE Select); coding-DNA position 1023, G replaced by A.
Protein change: p.Leu341=; no amino-acid change (leucine 341 retained).
Molecular consequence: synonymous variant. On other transcripts: non-coding transcript variant (2), intron variant (3).
Genome position (GRCh38, 1-based): chr2:214,780,851, C>T on the plus strand (G>A on the coding strand, the complement: BARD1 is on the minus strand). VCF-style: chr2-214780851-C-T. GRCh37 (hg19) VCF-style: chr2-215645575-C-T.
Other names: c.966G>A, p.Leu322= (NM_001282543.2); c.159-28296G>A (NM_001282548.2); c.215+16210G>A (NM_001282545.2); c.364+11446G>A (NM_001282549.2).
Identifiers: ClinVar variation 479173 (VCV000479173.20), dbSNP rs1553622298, ClinGen allele CA431390708.